The following is an entry in ClinVar:

ClinVar aggregate classification (germline): Uncertain significance (1 of 4 stars; one submission).

Allele frequency attached by ClinVar (database versions not stated): gnomAD exomes below 0.00001; TOPMed below 0.00001; ExAC 0.00001.
gnomAD v4.1: 6 of 1,612,426 alleles (0.00037%); highest among the groups gnomAD compares: Non-Finnish European, 0.00051%; no homozygotes.

Submission:

Labcorp Genetics (formerly Invitae), Labcorp
Classification: Uncertain significance. Last evaluated: 2024-01-21. Review status: criteria provided, single submitter. Criteria: Invitae Variant Classification Sherloc (09022015). Collection method: clinical testing. Allele origin: germline.
Comment: This sequence change replaces arginine, which is basic and polar, with cysteine, which is neutral and slightly polar, at codon 4438 of the PCLO protein (p.Arg4438Cys). This variant is present in population databases (rs752985178, gnomAD 0.0009%). This variant has not been reported in the literature in individuals affected with PCLO-related conditions. ClinVar contains an entry for this variant (Variation ID: 1505541). Experimental studies and prediction algorithms are not available or were not evaluated, and the functional significance of this variant is currently unknown. In summary, the available evidence is currently insufficient to determine the role of this variant in disease. Therefore, it has been classified as a Variant of Uncertain Significance.

NM_033026.6(PCLO):c.13312C>T (p.Arg4438Cys)

Gene: PCLO (piccolo presynaptic cytomatrix protein; minus strand). Cytogenetic location: 7q21.11.
Variant type: single nucleotide variant.
Coding change: c.13312C>T on transcript NM_033026.6 (MANE Select); coding-DNA position 13312, C replaced by T.
Protein change: p.Arg4438Cys; replaces arginine 4438 with cysteine.
Molecular consequence: missense variant.
Genome position (GRCh38, 1-based): chr7:82,909,002, G>A on the plus strand (C>T on the coding strand, the complement: PCLO is on the minus strand). VCF-style: chr7-82909002-G-A. GRCh37 (hg19) VCF-style: chr7-82538318-G-A.
Other names: c.13312C>T, p.Arg4438Cys (NM_014510.3); short protein forms R4438C.
Identifiers: ClinVar variation 1505541 (VCV001505541.4), dbSNP rs752985178, ClinGen allele CA4319199.